The following is an entry in ClinVar:

ClinVar aggregate classification (germline): Pathogenic/Likely pathogenic. Review status: criteria provided, multiple submitters, no conflicts (2 of 4 stars). 6 submissions from 6 submitters: Pathogenic (4); Likely pathogenic (1). 1 of the submissions does not count toward it. Last evaluated 2024-05-13.

Conditions:
KMT2D-related disorder. Also called: KMT2D-Related Disorders.
Kabuki syndrome 1 (KABUK1). Also called: KMT2D-Related Kabuki Syndrome. Identifiers: Orphanet 2322, MedGen CN030661, MONDO:0007843, OMIM 147920.

Allele frequency attached by ClinVar (database versions not stated): gnomAD exomes below 0.00001.
gnomAD v4.1: 1 of 1,607,668 alleles (0.000062%); highest among the groups gnomAD compares: Non-Finnish European, 0.000085%; no homozygotes.

Submissions (6):

GeneDx
Classification: Pathogenic. Last evaluated: 2024-05-13. Review status: criteria provided, single submitter. Criteria: GeneDx Variant Classification Process June 2021. Collection method: clinical testing. Allele origin: germline. Affected: yes.
Comment: Nonsense variant predicted to result in protein truncation or nonsense mediated decay in a gene for which loss-of-function is a known mechanism of disease; Not observed at significant frequency in large population cohorts (gnomAD); This variant is associated with the following publications: (PMID: 27535533, 32803813, 31363182)

3billion
Classification: Pathogenic for Kabuki syndrome 1. Last evaluated: 2023-09-12. Review status: criteria provided, single submitter. Criteria: ACMG Guidelines, 2015. Collection method: clinical testing. Allele origin: germline. Affected: yes.
Comment: The variant is not observed in the gnomAD v2.1.1 dataset. Predicted Consequence/Location: Stop-gained (nonsense): predicted to result in a loss or disruption of normal protein function through nonsense-mediated decay (NMD) or protein truncation. Multiple pathogenic variants are reported downstream of the variant. The variant has been reported at least twice as pathogenic with clinical assertions and evidence for the classification (ClinVar ID: VCV000158787 /PMID: 31363182). Therefore, this variant is classified as Pathogenic according to the recommendation of ACMG/AMP guideline.

Blueprint Genetics
Classification: Pathogenic for KMT2D-related disorders. Last evaluated: 2018-11-16. Review status: criteria provided, single submitter. Criteria: ACMG Guidelines, 2015. Collection method: clinical testing. Allele origin: de novo. Affected: yes. Observed: 2 variant alleles.

Center for Human Genetics, Inc
Classification: Likely pathogenic for Kabuki syndrome 1. Last evaluated: 2016-11-01. Review status: criteria provided, single submitter. Criteria: ACMG Guidelines, 2015. Collection method: clinical testing. Allele origin: germline. Affected: yes.

Genetic Services Laboratory, University of Chicago
Classification: Pathogenic for Kabuki syndrome 1. Last evaluated: 2013-08-22. Review status: criteria provided, single submitter. Criteria: ACMG Guidelines, 2007. Collection method: clinical testing. Allele origin: germline. Inheritance: Autosomal dominant inheritance. Affected: yes.

Autoinflammatory diseases unit, CHU de Montpellier
Classification: Pathogenic for Kabuki syndrome 1. Last evaluated: 2015-11-12. Review status: no assertion criteria provided. Collection method: clinical testing. Allele origin: unknown. Affected: yes. Not counted in ClinVar's aggregate classification.

Literature cited by the submitters: PubMed 31363182 (cited by 3billion).

NM_003482.4(KMT2D):c.8053C>T (p.Arg2685Ter)

Gene: KMT2D (lysine methyltransferase 2D; minus strand). Cytogenetic location: 12q13.12.
Variant type: single nucleotide variant.
Coding change: c.8053C>T on transcript NM_003482.4 (MANE Select); coding-DNA position 8053, C replaced by T.
Protein change: p.Arg2685Ter; replaces arginine 2685 with a stop codon.
Molecular consequence: nonsense.
Genome position (GRCh38, 1-based): chr12:49,039,611, G>A on the plus strand (C>T on the coding strand, the complement: KMT2D is on the minus strand). VCF-style: chr12-49039611-G-A. GRCh37 (hg19) VCF-style: chr12-49433394-G-A.
Other names: short protein forms R2685*.
Identifiers: ClinVar variation 158787 (VCV000158787.10), dbSNP rs587783727, ClinGen allele CA271659.